The following is an entry in ClinVar:

NM_007294.4(BRCA1):c.81-18C>T

Gene: BRCA1 (BRCA1 DNA repair associated; minus strand). Cytogenetic location: 17q21.31.
Variant type: single nucleotide variant.
Coding change: c.81-18C>T on transcript NM_007294.4 (MANE Select); 18 bases into the intron before coding-DNA position 81, C replaced by T.
Molecular consequence: intron variant.
Genome position (GRCh38, 1-based): chr17:43,115,797, G>A on the plus strand (C>T on the coding strand, the complement: BRCA1 is on the minus strand). VCF-style: chr17-43115797-G-A. GRCh37 (hg19) VCF-style: chr17-41267814-G-A.
Other names: c.-61-18C>T (NM_001408458.1, NM_001408470.1, NM_001407848.1 and 47 more transcripts); c.-219+9480C>T (NM_001407967.1); c.-170+9480C>T (NM_001407959.1); c.-7-9264C>T (NM_001407931.1, NM_001407747.1, NM_001408511.1 and 2 more transcripts); c.-223-18C>T (NM_001407962.1, NM_001408512.1, NM_001408510.1 and 1 more transcripts); c.-108-18C>T (NM_001407885.1, NM_001407886.1, NM_001408509.1 and 52 more transcripts); c.-177-18C>T (NM_001407746.1, NM_001408468.1, NM_001407842.1 and 13 more transcripts); c.-8+8220C>T (NM_001408461.1, NM_001407738.1, NM_001407932.1 and 23 more transcripts); and 10 more.
Identifiers: ClinVar variation 868767 (VCV000868767.11), dbSNP rs864622534, ClinGen allele CA626084964.

ClinVar aggregate classification (germline): Likely benign (1 of 4 stars; one submission).

Conditions:
Hereditary breast ovarian cancer syndrome. Also called: Hereditary breast and ovarian cancer; Hereditary breast and ovarian cancer syndrome (HBOC); Breast and ovarian cancer; Hereditary breast and/or ovarian cancer syndrome; BRCA1- and BRCA2-Associated Hereditary Breast and Ovarian Cancer; Hereditary breast and ovarian cancer syndrome. Identifiers: Orphanet 145, MedGen C0677776, MeSH D061325, MONDO:0003582. Disease mechanism: loss of function.

Allele frequency attached by ClinVar (database versions not stated): gnomAD exomes below 0.00001.
gnomAD v4.1: 2 of 1,608,020 alleles (0.00012%); highest among the groups gnomAD compares: East Asian, 0.0022%; no homozygotes.

Submissions (2):

Labcorp Genetics (formerly Invitae), Labcorp
Classification: Likely benign for Hereditary breast ovarian cancer syndrome. Last evaluated: 2024-02-07. Review status: criteria provided, single submitter. Criteria: Invitae Variant Classification Sherloc (09022015). Collection method: clinical testing. Allele origin: germline.

Brotman Baty Institute, University of Washington
No classification provided (evidence only). Condition: Breast-ovarian cancer, familial 1. Review status: no classification provided. Collection method: in vitro. Allele origin: not applicable. Functional consequence: functionally_normal. Not counted in ClinVar's aggregate classification.
ClinVar note: "not provided" was previously submitted as the classification for the variant. However, the classification appeared to be based only on an observation of functional data so it was converted to no classification on 2025-07-30.